The following is an entry in ClinVar:

NM_052945.4(TNFRSF13C):c.98T>C (p.Val33Ala)

Genes: TNFRSF13C (TNF receptor superfamily member 13C; minus strand), LOC130067574 (ATAC-STARR-seq lymphoblastoid silent region 13813; plus strand). Cytogenetic location: 22q13.2.
Variant type: single nucleotide variant.
Coding change: c.98T>C on transcript NM_052945.4 (MANE Select); coding-DNA position 98, T replaced by C.
Protein change: p.Val33Ala; replaces valine 33 with alanine.
Molecular consequence: missense variant.
Genome position (GRCh38, 1-based): chr22:41,926,676, A>G on the plus strand (T>C on the coding strand, the complement: TNFRSF13C is on the minus strand). VCF-style: chr22-41926676-A-G. GRCh37 (hg19) VCF-style: chr22-42322680-A-G.
Other names: short protein forms V33A.
Identifiers: ClinVar variation 4771432 (VCV004771432.1).

ClinVar aggregate classification (germline): Uncertain significance (1 of 4 stars; one submission).

Conditions:
Immunodeficiency, common variable, 4. Also called: ANTIBODY DEFICIENCY DUE TO BAFFR DEFECT. Identifiers: Orphanet 1572, Orphanet 696925, MedGen C3150739, MONDO:0013284, OMIM 613494.

gnomAD v4.1: 4 of 1,463,424 alleles (0.00027%); highest among the groups gnomAD compares: African/African-American, 0.0015%; no homozygotes.

Submission:

Labcorp Genetics (formerly Invitae), Labcorp
Classification: Uncertain significance for Immunodeficiency, common variable, 4. Last evaluated: 2025-08-11. Review status: criteria provided, single submitter. Criteria: Invitae Variant Classification Sherloc (09022015). Collection method: clinical testing. Allele origin: germline.
Comment: This sequence change replaces valine, which is neutral and non-polar, with alanine, which is neutral and non-polar, at codon 33 of the TNFRSF13C protein (p.Val33Ala). This variant is not present in population databases (gnomAD no frequency). This variant has not been reported in the literature in individuals affected with TNFRSF13C-related conditions. An algorithm developed to predict the effect of missense changes on protein structure and function (PolyPhen-2) suggests that this variant is likely to be disruptive. In summary, the available evidence is currently insufficient to determine the role of this variant in disease. Therefore, it has been classified as a Variant of Uncertain Significance.